The following is an entry in ClinVar:

ClinVar aggregate classification (germline): Uncertain significance (1 of 4 stars; one submission).

Conditions:
Xerosis and growth failure with immune and pulmonary dysfunction syndrome (XGIP). Also called: XGIP SYNDROME. Identifiers: MedGen C5882692, MONDO:0957786, OMIM 620510.

gnomAD v4.1: 28 of 1,613,826 alleles (0.0017%); highest among the groups gnomAD compares: Middle Eastern, 0.049%; no homozygotes.

Submission:

3billion
Classification: Uncertain significance for Xerosis and growth failure with immune and pulmonary dysfunction syndrome. Last evaluated: 2025-08-11. Review status: criteria provided, single submitter. Criteria: ACMG Guidelines, 2015. Collection method: clinical testing. Allele origin: germline. Affected: yes.
Comment: The variant is observed at an extremely low frequency in the gnomAD v4.1.0 dataset (total allele frequency: 0.002%). Predicted Consequence/Location: Missense variant In silico tool predictions suggest damaging effect of the variant on gene or gene product [3Cnet: 0.98 (> 0.75, sensitivity 0.96 and precision 0.92)]. Therefore, this variant is classified as VUS according to the recommendation of ACMG/AMP guideline.

NM_016216.4(DBR1):c.307A>G (p.Asn103Asp)

Gene: DBR1 (debranching RNA lariats 1; minus strand). Cytogenetic location: 3q22.3.
Variant type: single nucleotide variant.
Coding change: c.307A>G on transcript NM_016216.4 (MANE Select); coding-DNA position 307, A replaced by G.
Protein change: p.Asn103Asp; replaces asparagine 103 with aspartic acid.
Molecular consequence: missense variant.
Genome position (GRCh38, 1-based): chr3:138,173,517, T>C on the plus strand (A>G on the coding strand, the complement: DBR1 is on the minus strand). VCF-style: chr3-138173517-T-C. GRCh37 (hg19) VCF-style: chr3-137892359-T-C.
Other names: short protein forms N103D.
Identifiers: ClinVar variation 4855929 (VCV004855929.1).